The following is an entry in ClinVar:

ClinVar aggregate classification (germline): Uncertain significance. Review status: criteria provided, multiple submitters, no conflicts (2 of 4 stars). 2 submissions from 2 submitters: Uncertain significance (2). Last evaluated 2025-09-22.

Conditions:
Inborn genetic diseases. Identifiers: MedGen C0950123, MeSH D030342.

Allele frequency attached by ClinVar (database versions not stated): TOPMed below 0.00001; gnomAD 0.00001; ESP Exome Variant Server 0.00008.

Submissions (2):

Ambry Genetics
Classification: Uncertain significance for Inborn genetic diseases. Last evaluated: 2025-09-22. Review status: criteria provided, single submitter. Criteria: Ambry Variant Classification Scheme 2023. Collection method: clinical testing. Allele origin: germline.

Labcorp Genetics (formerly Invitae), Labcorp
Classification: Uncertain significance. Last evaluated: 2022-11-15. Review status: criteria provided, single submitter. Criteria: Invitae Variant Classification Sherloc (09022015). Collection method: clinical testing. Allele origin: germline.
Comment: This variant is not present in population databases (gnomAD no frequency). This sequence change replaces leucine, which is neutral and non-polar, with proline, which is neutral and non-polar, at codon 485 of the GPR179 protein (p.Leu485Pro). This variant has not been reported in the literature in individuals affected with GPR179-related conditions. Algorithms developed to predict the effect of missense changes on protein structure and function output the following: SIFT: "Tolerated"; PolyPhen-2: "Benign"; Align-GVGD: "Class C0". The proline amino acid residue is found in multiple mammalian species, which suggests that this missense change does not adversely affect protein function. In summary, the available evidence is currently insufficient to determine the role of this variant in disease. Therefore, it has been classified as a Variant of Uncertain Significance.

NM_001004334.4(GPR179):c.1454T>C (p.Leu485Pro)

Gene: GPR179 (G protein-coupled receptor 179; minus strand). Cytogenetic location: 17q12.
Variant type: single nucleotide variant.
Coding change: c.1454T>C on transcript NM_001004334.4 (MANE Select); coding-DNA position 1454, T replaced by C.
Protein change: p.Leu485Pro; replaces leucine 485 with proline.
Molecular consequence: missense variant.
Genome position (GRCh38, 1-based): chr17:38,335,224, A>G on the plus strand (T>C on the coding strand, the complement: GPR179 is on the minus strand). VCF-style: chr17-38335224-A-G. GRCh37 (hg19) VCF-style: chr17-36491107-A-G.
Other names: c.1454T>C (NM_001004334.2); short protein forms L485P.
Identifiers: ClinVar variation 1914356 (VCV001914356.5), dbSNP rs370159876, ClinGen allele CA290108710.
Genomic context (GRCh38, chr17:38,335,224, plus strand): 5'-AGGAAGCCCAGCACAGGTAGCAGGAGCAGCCCCAGGTGCCGCAGCAGCCGCCCGCTGCTC[A>G]GAAGGGCACTCCGCTGGGCCGTTCGAGACAGAAACAGCTGCAGCACTCTGCGAGGGTTAG-3'
Protein context (NP_001004334.3, residues 475-495): LSRTAQRSAL[Leu485Pro]SSGRLLRHLG